The following is an entry in ClinVar:

ClinVar aggregate classification (germline): Pathogenic (1 of 4 stars; one submission).

Conditions:
Inborn genetic diseases. Identifiers: MedGen C0950123, MeSH D030342.

Submission:

Ambry Genetics
Classification: Pathogenic for Inborn genetic diseases. Last evaluated: 2026-03-05. Review status: criteria provided, single submitter. Criteria: Ambry Variant Classification Scheme 2023. Collection method: clinical testing. Allele origin: germline.
Comment: The c.3271C>T (p.Q1091*) alteration, located in exon 20 (coding exon 18) of the SETD5 gene, consists of a C to T substitution at nucleotide position 3271. This changes the amino acid from a glutamine (Q) to a stop codon at amino acid position 1091. This variant is expected to result in loss of function by premature protein truncation or nonsense-mediated mRNA decay. This variant was not reported in population-based cohorts in the Genome Aggregation Database (gnomAD). Based on the available evidence, this alteration is classified as pathogenic.

NM_001080517.3(SETD5):c.3271C>T (p.Gln1091Ter)

Gene: SETD5 (SET domain containing 5; plus strand). Cytogenetic location: 3p25.3.
Variant type: single nucleotide variant.
Coding change: c.3271C>T on transcript NM_001080517.3 (MANE Select); coding-DNA position 3271, C replaced by T.
Protein change: p.Gln1091Ter; replaces glutamine 1091 with a stop codon.
Molecular consequence: nonsense.
Genome position (GRCh38, 1-based): chr3:9,473,311, C>T. VCF-style: chr3-9473311-C-T. GRCh37 (hg19) VCF-style: chr3-9514995-C-T.
Other names: c.3328C>T, p.Gln1110Ter (NM_001437643.1); c.3310C>T, p.Gln1104Ter (NM_001437701.1); c.2977C>T, p.Gln993Ter (NM_001292043.2, NM_001349451.2); c.3367C>T, p.Gln1123Ter (NM_001437633.1); c.3385C>T, p.Gln1129Ter (NM_001437635.1); short protein forms Q993*, Q1091*, Q1110*, Q1104*, Q1129*, Q1123*.
Identifiers: ClinVar variation 4840576 (VCV004840576.1).